The following is an entry in ClinVar:

NM_014334.4(FRRS1L):c.745G>A (p.Ala249Thr)

Gene: FRRS1L (ferric chelate reductase 1 like; minus strand). Cytogenetic location: 9q31.3.
Variant type: single nucleotide variant.
Coding change: c.745G>A on transcript NM_014334.4 (MANE Select); coding-DNA position 745, G replaced by A.
Protein change: p.Ala249Thr; replaces alanine 249 with threonine.
Molecular consequence: missense variant.
Genome position (GRCh38, 1-based): chr9:109,137,592, C>T on the plus strand (G>A on the coding strand, the complement: FRRS1L is on the minus strand). VCF-style: chr9-109137592-C-T. GRCh37 (hg19) VCF-style: chr9-111899872-C-T.
Other names: short protein forms A249T.
Identifiers: ClinVar variation 1723015 (VCV001723015.2), dbSNP rs2538494459, ClinGen allele CA374423264.

ClinVar aggregate classification (germline): Uncertain significance (1 of 4 stars; one submission).

Allele frequency attached by ClinVar (database versions not stated): gnomAD exomes below 0.00001.
gnomAD v4.1: 1 of 1,610,784 alleles (0.000062%); no homozygotes.

Submission:

GeneDx
Classification: Uncertain significance. Last evaluated: 2022-05-06. Review status: criteria provided, single submitter. Criteria: GeneDx Variant Classification Process June 2021. Collection method: clinical testing. Allele origin: germline. Affected: yes.
Comment: Not observed at significant frequency in large population cohorts (gnomAD); In silico analysis supports that this missense variant does not alter protein structure/function; Has not been previously published as pathogenic or benign to our knowledge